The following is an entry in ClinVar:

NC_000012.11:g.(?_32945358)_(32945685_?)del

Gene: PKP2 (plakophilin 2; minus strand). Cytogenetic location: 12p11.21.
Variant type: Deletion.
Identifiers: ClinVar variation 1374911 (VCV001374911.5).

ClinVar aggregate classification (germline): Uncertain significance (1 of 4 stars; one submission).

Conditions:
Arrhythmogenic right ventricular dysplasia 9 (ARVD9). Also called: Arrhythmogenic Right Ventricular Dysplasia/Cardiomyopathy 9; ARRHYTHMOGENIC RIGHT VENTRICULAR DYSPLASIA, FAMILIAL, 9. Identifiers: MedGen C1836906, MONDO:0012180, OMIM 609040.

Submission:

Labcorp Genetics (formerly Invitae), Labcorp
Classification: Uncertain significance for Arrhythmogenic right ventricular dysplasia 9. Last evaluated: 2022-03-23. Review status: criteria provided, single submitter. Criteria: Invitae Variant Classification Sherloc (09022015). Collection method: clinical testing. Allele origin: germline.
Comment: In summary, the available evidence is currently insufficient to determine the role of this variant in disease. Therefore, it has been classified as a Variant of Uncertain Significance. This variant disrupts a region of the PKP2 protein in which other variant(s) (p.Leu847Pro) have been observed in individuals with PKP2-related conditions (PMID: 19880068). This suggests that this is a clinically significant region of the protein, and that variants that disrupt it are likely to be disease-causing. This variant has not been reported in the literature in individuals affected with PKP2-related conditions. This variant is a gross deletion of the genomic region encompassing exon(s) 13-14 of the PKP2 gene, which includes the termination codon. This deletion extends beyond the assayed region for this gene and therefore may encompass additional genes. While this deletion is not anticipated to lead to nonsense mediated decay, it is expected to alter mRNA translation or result in a truncated protein product.

Literature cited by the submitters: PubMed 19880068.